The following is an entry in ClinVar:

ClinVar aggregate classification (germline): Uncertain significance (1 of 4 stars; one submission).

Conditions:
Hereditary cancer-predisposing syndrome. Also called: Neoplastic Syndromes, Hereditary; Tumor predisposition; Hereditary neoplastic syndrome; Hereditary Cancer Syndrome. Identifiers: Orphanet 140162, MedGen C0027672, MeSH D009386, MONDO:0015356.

Submission:

Ambry Genetics
Classification: Uncertain significance for Hereditary cancer-predisposing syndrome. Last evaluated: 2026-07-02. Review status: criteria provided, single submitter. Criteria: Ambry Variant Classification Scheme 2023. Collection method: clinical testing. Allele origin: germline.
Comment: The p.P824T variant (also known as c.2470C>A), located in coding exon 21 of the TSC2 gene, results from a C to A substitution at nucleotide position 2470. The proline at codon 824 is replaced by threonine, an amino acid with highly similar properties. This amino acid position is conserved. In addition, this alteration is predicted to be deleterious by in silico analysis. Based on the available evidence, the clinical significance of this variant remains unclear.

NM_000548.5(TSC2):c.2470C>A (p.Pro824Thr)

Gene: TSC2 (TSC complex subunit 2; plus strand). Cytogenetic location: 16p13.3.
Variant type: single nucleotide variant.
Coding change: c.2470C>A on transcript NM_000548.5 (MANE Select); coding-DNA position 2470, C replaced by A.
Protein change: p.Pro824Thr; replaces proline 824 with threonine.
Molecular consequence: missense variant. On other transcripts: non-coding transcript variant (5).
Genome position (GRCh38, 1-based): chr16:2,074,314, C>A. VCF-style: chr16-2074314-C-A. GRCh37 (hg19) VCF-style: chr16-2124315-C-A.
Other names: c.2008C>A, p.Pro670Thr (NM_001406681.1); c.1870C>A, p.Pro624Thr (NM_001406682.1, NM_001406683.1, NM_001406684.1 and 6 more transcripts); c.1126C>A, p.Pro376Thr (NM_001406689.1, NM_001406690.1, NM_001406691.1 and 6 more transcripts); c.2470C>A, p.Pro824Thr (NM_001077183.3, NM_001114382.3, NM_001363528.2 and 6 more transcripts); c.2359C>A, p.Pro787Thr (NM_001318827.2, NM_001406670.1, NM_001406678.1); c.2323C>A, p.Pro775Thr (NM_001318829.2, NM_001406675.1, NM_001406676.1 and 1 more transcripts); c.2503C>A, p.Pro835Thr (NM_001318832.2); c.2560C>A, p.Pro854Thr (NM_001406667.1, NM_001406668.1); and 3 more; short protein forms P624T, P670T, P824T, P290T, P805T, P820T, P376T, P835T.
Identifiers: ClinVar variation 5031314 (VCV005031314.1).